The following is an entry in ClinVar:

NM_003052.5(SLC34A1):c.644+2T>G

Gene: SLC34A1 (solute carrier family 34 member 1; plus strand). Cytogenetic location: 5q35.3.
Variant type: single nucleotide variant.
Coding change: c.644+2T>G on transcript NM_003052.5 (MANE Select); the canonical splice donor site of the intron after coding-DNA position 644, T replaced by G.
Molecular consequence: splice donor variant.
Genome position (GRCh38, 1-based): chr5:177,387,875, T>G. VCF-style: chr5-177387875-T-G. GRCh37 (hg19) VCF-style: chr5-176814876-T-G.
Other names: c.644+2T>G (NM_001167579.2).
Identifiers: ClinVar variation 2681783 (VCV002681783.2), dbSNP rs1272063335.

ClinVar aggregate classification (germline): Pathogenic (1 of 4 stars; one submission).

Conditions:
Hypophosphatemic nephrolithiasis/osteoporosis 1. Identifiers: Orphanet 244305, MedGen C2676786, MONDO:0012850, OMIM 612286.

Submission:

Precision Medicine Center, Zhengzhou University
Classification: Pathogenic for Hypophosphatemic nephrolithiasis/osteoporosis 1. Last evaluated: 2023-12-01. Review status: criteria provided, single submitter. Criteria: ACMG Guidelines, 2015. Collection method: clinical testing. Allele origin: de novo. Affected: yes.
Comment: PVS1,PS2,PM2_p

Literature cited by the submitters: PubMed 26047794.